The following is an entry in ClinVar:

ClinVar aggregate classification (germline): Likely pathogenic (1 of 4 stars; one submission).

Submission:

GeneDx
Classification: Likely pathogenic. Last evaluated: 2012-05-03. Review status: criteria provided, single submitter. Criteria: GeneDx Variant Classification (06012015). Collection method: clinical testing. Allele origin: germline. Affected: yes.
Comment: p.Gln2304_Gly2306dup: c.6910_6918dupCAGCTGGGC in exon 53 of the SPTAN1 gene (NM_001130438.2) The c.6910_6918dupCAGCTGGGC variant in the SPTAN1 gene has not been published as a mutation, nor has it been reported as a benign polymorphism to our knowledge. It results in an in-frame duplication of three highly conserved amino acids in the last spectrin repeat of the protein, beginning at codon Glutamine 2304 and ending at codon Glycine 2306. Previously reported pathogenic mutations in SPTAN1 include in-frame deletions or duplications located in the last four spectrin repeats, which are essential for dimerization (Saitsu et al., 2010). A de novo in-frame duplication of two neighboring amino acids (p.Arg2308_Met2309dup) was identified in a patient with West syndrome and severe hypomyelination, confirming the functional importance of this region of the protein (Saitsu et al., 2010). Therefore, c.6910_6918dupCAGCTGGGC is a strong candidate for a disease-causing mutation, although the possibility that it is a benign variant cannot be excluded at present. The variant is found in INFANT-EPI panel(s).

NM_001130438.3(SPTAN1):c.6910_6918dup (p.Gln2304_Gly2306dup)

Gene: SPTAN1 (spectrin alpha, non-erythrocytic 1; plus strand). Cytogenetic location: 9q34.11.
Variant type: Duplication.
Coding change: c.6910_6918dup on transcript NM_001130438.3 (MANE Select); coding-DNA positions 6910 to 6918, 9 bases duplicated (CAGCTGGGC; older notation c.6910_6918dupCAGCTGGGC).
Protein change: p.Gln2304_Gly2306dup.
Molecular consequence: inframe insertion.
Genome position (GRCh38, 1-based): chr9:128,632,274-128,632,282, CAGCTGGGC duplicated; duplicating any 9 consecutive bases within chr9:128,632,273-128,632,282 gives the same sequence; the c. name uses the placement nearest the transcript's 3' end. VCF-style (leftmost placement, unchanged base first): chr9-128632272-A-ACCAGCTGGG. GRCh37 (hg19) VCF-style: chr9-131394551-A-ACCAGCTGGG.
Other names: c.6835_6843dup, p.Gln2279_Gly2281dup (NM_001195532.2); c.6973_6981dup, p.Gln2325_Gly2327dup (NM_001363759.2); c.6850_6858dup, p.Gln2284_Gly2286dup (NM_001363765.2); c.6895_6903dup, p.Gln2299_Gly2301dup (NM_003127.4).
Identifiers: ClinVar variation 207369 (VCV000207369.1), dbSNP rs796053334, ClinGen allele CA318767.